The following is an entry in ClinVar:

ClinVar aggregate classification (germline): Conflicting classifications of pathogenicity. Review status: criteria provided, conflicting classifications (1 of 4 stars). 8 submissions from 7 submitters: Uncertain significance (3); Likely benign (4). 1 of the submissions does not count toward it. Last evaluated 2026-01-28.

Conditions:
DYM-related disorder. Also called: DYM-related condition.
Connective tissue disorder. Also called: Connective tissue disease. Identifiers: MedGen C0009782, MONDO:0003900.
Dyggve-Melchior-Clausen syndrome (DMC). Also called: Dyggve-Melchior-Clausen disease; DMC syndrome. Identifiers: Orphanet 239, MedGen C0265286, MONDO:0009130, OMIM 223800.
Smith-McCort dysplasia 1 (SMC1). Also called: Smith-McCort dwarfism. Identifiers: MedGen C3888088, MONDO:0011814, OMIM 607326.

Allele frequency attached by ClinVar (database versions not stated): 1000 Genomes Project 30x 0.00047; 1000 Genomes Project 0.00060; gnomAD 0.00143 and 0.00148; TOPMed 0.00149; gnomAD exomes 0.00160 and 0.00250; ExAC 0.00169; ESP Exome Variant Server 0.00261.
gnomAD v4.1: 3,830 of 1,613,816 alleles (0.24%); highest among the groups gnomAD compares: Non-Finnish European, 0.3%; 6 homozygotes.

Submissions (8):

Labcorp Genetics (formerly Invitae), Labcorp
Classification: Likely benign. Last evaluated: 2026-01-28. Review status: criteria provided, single submitter. Criteria: Invitae Variant Classification Sherloc (09022015). Collection method: clinical testing. Allele origin: germline.

Blueprint Genetics
Classification: Likely benign. Last evaluated: 2024-11-11. Review status: criteria provided, single submitter. Criteria: ACMG Guidelines, 2015. Collection method: clinical testing. Allele origin: germline.

CeGaT Center for Human Genetics Tuebingen
Classification: Likely benign. Last evaluated: 2022-10-01. Review status: criteria provided, single submitter. Criteria: CeGaT Center For Human Genetics Tuebingen Variant Classification Criteria Version 2. Collection method: clinical testing. Allele origin: germline. Affected: yes. Observed: 1 variant allele.
Comment: DYM: BP4

Genome Diagnostics Laboratory, The Hospital for Sick Children
Classification: Likely benign for Connective tissue disorder. Last evaluated: 2019-11-01. Review status: criteria provided, single submitter. Criteria: ACMG Guidelines, 2015. Collection method: clinical testing. Allele origin: germline.

Illumina Laboratory Services, Illumina
Classification: Uncertain significance for Dyggve-Melchior-Clausen syndrome. Last evaluated: 2018-01-12. Review status: criteria provided, single submitter. Criteria: ICSL Variant Classification Criteria 13 December 2019. Collection method: clinical testing. Allele origin: germline.

Illumina Laboratory Services, Illumina
Classification: Uncertain significance for Smith-McCort dysplasia 1. Last evaluated: 2018-01-12. Review status: criteria provided, single submitter. Criteria: ICSL Variant Classification Criteria 13 December 2019. Collection method: clinical testing. Allele origin: germline.

Eurofins Ntd Llc (ga)
Classification: Uncertain significance. Last evaluated: 2017-09-18. Review status: criteria provided, single submitter. Criteria: EGL Classification Definitions 2015. Collection method: clinical testing. Allele origin: germline. Observed: 3 variant alleles, 3 heterozygotes.

PreventionGenetics, part of Exact Sciences
Classification: Likely benign for DYM-related condition. Last evaluated: 2019-06-25. Review status: no assertion criteria provided. Collection method: clinical testing. Allele origin: germline. Not counted in ClinVar's aggregate classification.
Comment: This variant is classified as likely benign based on ACMG/AMP sequence variant interpretation guidelines (Richards et al. 2015 PMID: 25741868, with internal and published modifications).

NM_001353214.3(DYM):c.620+4T>G

Gene: DYM (dymeclin; minus strand). Cytogenetic location: 18q21.1.
Variant type: single nucleotide variant.
Coding change: c.620+4T>G on transcript NM_001353214.3 (MANE Select); 4 bases into the intron after coding-DNA position 620, T replaced by G.
Molecular consequence: intron variant.
Genome position (GRCh38, 1-based): chr18:49,333,724, A>C on the plus strand (T>G on the coding strand, the complement: DYM is on the minus strand). VCF-style: chr18-49333724-A-C. GRCh37 (hg19) VCF-style: chr18-46860094-A-C.
Other names: c.617+4T>G (NM_001374439.1, NM_001374429.1, NM_001353211.3 and 1 more transcripts); c.194-47111T>G (NM_001374443.1); c.194-47108T>G (NM_001374444.1, NM_001374442.1, NM_001374441.1); c.392+4T>G (NM_001374440.1); c.495-1718T>G (NM_001374436.1, NM_001374432.1); c.620+4T>G (NM_001374437.1, NM_001374438.1, NM_001374435.1 and 10 more transcripts).
Identifiers: ClinVar variation 287525 (VCV000287525.48), dbSNP rs201652921, ClinGen allele CA8958322.